The following is an entry in ClinVar:

NM_052947.4(ALPK2):c.3262C>A (p.Gln1088Lys)

Gene: ALPK2 (alpha kinase 2; minus strand). Cytogenetic location: 18q21.31.
Variant type: single nucleotide variant.
Coding change: c.3262C>A on transcript NM_052947.4 (MANE Select); coding-DNA position 3262, C replaced by A.
Protein change: p.Gln1088Lys; replaces glutamine 1088 with lysine.
Molecular consequence: missense variant.
Genome position (GRCh38, 1-based): chr18:58,536,925, G>T on the plus strand (C>A on the coding strand, the complement: ALPK2 is on the minus strand). VCF-style: chr18-58536925-G-T. GRCh37 (hg19) VCF-style: chr18-56204157-G-T.
Other names: short protein forms Q1088K.
Identifiers: ClinVar variation 1729543 (VCV001729543.2), dbSNP rs2518876678, ClinGen allele CA402568764.

ClinVar aggregate classification (germline): Uncertain significance (1 of 4 stars; one submission).

Submission:

Ambry Genetics
Classification: Uncertain significance. Last evaluated: 2022-10-27. Review status: criteria provided, single submitter. Criteria: Ambry Variant Classification Scheme 2023. Collection method: clinical testing. Allele origin: germline.
Comment: The p.Q1088K variant (also known as c.3262C>A), located in coding exon 4 of the ALPK2 gene, results from a C to A substitution at nucleotide position 3262. The glutamine at codon 1088 is replaced by lysine, an amino acid with similar properties. This amino acid position is conserved. In addition, this alteration is predicted to be tolerated by in silico analysis. Since supporting evidence is limited at this time, the clinical significance of this alteration remains unclear.